The following is an entry in ClinVar:

NM_000069.3(CACNA1S):c.917G>A (p.Gly306Glu)

Gene: CACNA1S (calcium voltage-gated channel subunit alpha1 S; minus strand). Cytogenetic location: 1q32.1.
Variant type: single nucleotide variant.
Coding change: c.917G>A on transcript NM_000069.3 (MANE Select); coding-DNA position 917, G replaced by A.
Protein change: p.Gly306Glu; replaces glycine 306 with glutamic acid.
Molecular consequence: missense variant.
Genome position (GRCh38, 1-based): chr1:201,087,913, C>T on the plus strand (G>A on the coding strand, the complement: CACNA1S is on the minus strand). VCF-style: chr1-201087913-C-T. GRCh37 (hg19) VCF-style: chr1-201057041-C-T.
Other names: short protein forms G306E.
Identifiers: ClinVar variation 3071364 (VCV003071364.1), dbSNP rs774491534, ClinGen allele CA084064.

ClinVar aggregate classification (germline): Uncertain significance (1 of 4 stars; one submission).

Conditions:
Malignant hyperthermia, susceptibility to, 5 (MHS5). Also called: CACNA1S-Related Malignant Hyperthermia Susceptibility. Identifiers: Orphanet 423, MedGen C1866077, MONDO:0011163, OMIM 601887.

Allele frequency attached by ClinVar (database versions not stated): ExAC 0.00001.

Submission:

All of Us Research Program, National Institutes of Health
Classification: Uncertain significance for Malignant hyperthermia, susceptibility to, 5. Last evaluated: 2023-05-30. Review status: criteria provided, single submitter. Criteria: ACMG Guidelines, 2015. Collection method: clinical testing. Allele origin: germline. Inheritance: Autosomal dominant inheritance. Observed: 1 variant allele, 1 heterozygote.
Comment: This missense variant replaces glycine with glutamic acid at codon 306 of the CACNA1S protein. Computational prediction suggests that this variant may have deleterious impact on protein structure and function (internally defined REVEL score threshold >= 0.7, PMID: 27666373). To our knowledge, functional studies have not been reported for this variant. This variant has not been reported in individuals affected with CACNA1S-related disorders in the literature. This variant has been identified in 1/250258 chromosomes in the general population by the Genome Aggregation Database (gnomAD). The available evidence is insufficient to determine the role of this variant in disease conclusively. Therefore, this variant is classified as a Variant of Uncertain Significance.

This study involves interpretation of variants in research participants for the purpose of population health screening. Participant phenotype was not available at the time of variant classification. Additional details can be found in publication PMID: 35346344, PMCID: PMC8962531